The following is an entry in ClinVar:

ClinVar aggregate classification (germline): Uncertain significance (1 of 4 stars; one submission).

Conditions:
Nemaline myopathy 9 (NEM9). Identifiers: MedGen C3810384, MONDO:0014326, OMIM 615731.

Submission:

Labcorp Genetics (formerly Invitae), Labcorp
Classification: Uncertain significance for Nemaline myopathy 9. Last evaluated: 2025-08-18. Review status: criteria provided, single submitter. Criteria: Invitae Variant Classification Sherloc (09022015). Collection method: clinical testing. Allele origin: germline.
Comment: This sequence change falls in intron 1 of the KLHL41 gene. It does not directly change the encoded amino acid sequence of the KLHL41 protein. It affects a nucleotide within the consensus splice site. This variant is present in population databases (no rsID available, gnomAD 0.02%). This variant has not been reported in the literature in individuals affected with KLHL41-related conditions. Variants that disrupt the consensus splice site are a relatively common cause of aberrant splicing (PMID: 17576681, 9536098). Algorithms developed to predict the effect of sequence changes on RNA splicing suggest that this variant is not likely to affect RNA splicing. In summary, the available evidence is currently insufficient to determine the role of this variant in disease. Therefore, it has been classified as a Variant of Uncertain Significance.

Literature cited by the submitters: PubMed 17576681; PubMed 9536098.

NM_006063.3(KLHL41):c.1110+6_1110+8del

Gene: KLHL41 (kelch like family member 41; plus strand). Cytogenetic location: 2q31.1.
Variant type: Microsatellite.
Coding change: c.1110+6_1110+8del on transcript NM_006063.3 (MANE Select); bases 6 to 8 of the intron after coding-DNA position 1110, 3 bases deleted (AAG; older notation c.1110+6_1110+8delAAG).
Molecular consequence: intron variant.
Genome position (GRCh38, 1-based): chr2:169,510,894-169,510,896, AAG deleted; deleting any 3 consecutive bases within chr2:169,510,891-169,510,896 gives the same sequence; the c. name uses the placement nearest the transcript's 3' end. VCF-style (leftmost placement, unchanged base first): chr2-169510890-TAAG-T. GRCh37 (hg19) VCF-style: chr2-170367400-TAAG-T.
Identifiers: ClinVar variation 1009312 (VCV001009312.7), dbSNP rs1186579373, ClinGen allele CA537570972.